The following is an entry in ClinVar:

NM_003705.5(SLC25A12):c.1458G>A (p.Ala486=)

Gene: SLC25A12 (solute carrier family 25 member 12; minus strand). Cytogenetic location: 2q31.1.
Variant type: single nucleotide variant.
Coding change: c.1458G>A on transcript NM_003705.5 (MANE Select); coding-DNA position 1458, G replaced by A.
Protein change: p.Ala486=; no amino-acid change (alanine 486 retained).
Molecular consequence: synonymous variant. On other transcripts: non-coding transcript variant (1).
Genome position (GRCh38, 1-based): chr2:171,791,578, C>T on the plus strand (G>A on the coding strand, the complement: SLC25A12 is on the minus strand). VCF-style: chr2-171791578-C-T. GRCh37 (hg19) VCF-style: chr2-172648088-C-T.
Identifiers: ClinVar variation 332338 (VCV000332338.52), dbSNP rs142179562, ClinGen allele CA1966101.

ClinVar aggregate classification (germline): Benign/Likely benign. Review status: criteria provided, multiple submitters, no conflicts (2 of 4 stars). 6 submissions from 6 submitters: Benign (2); Likely benign (1). 3 of the submissions do not count toward it. Last evaluated 2026-09-01.

Conditions:
SLC25A12-related disorder. Also called: SLC25A12-related condition.
Developmental and epileptic encephalopathy, 39 (DEE39). Also called: DEVELOPMENTAL AND EPILEPTIC ENCEPHALOPATHY 39 WITH LEUKODYSTROPHY. Identifiers: Orphanet 353217, MedGen C2751855, MONDO:0013056, OMIM 612949.

Allele frequency attached by ClinVar (database versions not stated): ESP Exome Variant Server 0.00369; gnomAD 0.00394 and 0.00399; gnomAD exomes 0.00474 and 0.00357; 1000 Genomes Project 0.00140; 1000 Genomes Project 30x 0.00156; TOPMed 0.00280; ExAC 0.00333.
gnomAD v4.1: 7,516 of 1,613,902 alleles (0.47%); highest among the groups gnomAD compares: Non-Finnish European, 0.52%; 27 homozygotes.

Submissions (6):

CeGaT Center for Human Genetics Tuebingen
Classification: Likely benign. Last evaluated: 2026-09-01. Review status: criteria provided, single submitter. Criteria: CeGaT Center For Human Genetics Tuebingen Variant Classification Criteria Version 2. Collection method: clinical testing. Allele origin: germline. Affected: yes. Observed: 67 variant alleles.
Comment: SLC25A12: BP4, BP7, BS2

Labcorp Genetics (formerly Invitae), Labcorp
Classification: Benign. Last evaluated: 2026-01-28. Review status: criteria provided, single submitter. Criteria: Invitae Variant Classification Sherloc (09022015). Collection method: clinical testing. Allele origin: germline.

ARUP Laboratories, Molecular Genetics and Genomics, ARUP Laboratories
Classification: Benign for Developmental and epileptic encephalopathy, 39. Last evaluated: 2025-02-19. Review status: criteria provided, single submitter. Criteria: ARUP Molecular Germline Variant Investigation Process 2024. Collection method: clinical testing. Allele origin: germline.

PreventionGenetics, part of Exact Sciences
Classification: Benign for SLC25A12-related condition. Last evaluated: 2024-05-01. Review status: no assertion criteria provided. Collection method: clinical testing. Allele origin: germline. Not counted in ClinVar's aggregate classification.
Comment: This variant is classified as benign based on ACMG/AMP sequence variant interpretation guidelines (Richards et al. 2015 PMID: 25741868, with internal and published modifications).

Clinical Genetics DNA and cytogenetics Diagnostics Lab, Erasmus MC, Erasmus Medical Center
Classification: Likely benign. Review status: no assertion criteria provided. Collection method: clinical testing. Allele origin: germline. Affected: yes. Study: VKGL Data-share Consensus. Not counted in ClinVar's aggregate classification.

Genome Diagnostics Laboratory, University Medical Center Utrecht
Classification: Likely benign. Review status: no assertion criteria provided. Collection method: clinical testing. Allele origin: germline. Affected: yes. Study: VKGL Data-share Consensus. Not counted in ClinVar's aggregate classification.